The following is an entry in ClinVar:

NM_006486.3(FBLN1):c.2047G>A (p.Gly683Arg)

Gene: FBLN1 (fibulin 1; plus strand). Cytogenetic location: 22q13.31.
Variant type: single nucleotide variant.
Coding change: c.2047G>A on transcript NM_006486.3 (MANE Select); coding-DNA position 2047, G replaced by A.
Protein change: p.Gly683Arg; replaces glycine 683 with arginine.
Molecular consequence: missense variant.
Genome position (GRCh38, 1-based): chr22:45,600,381, G>A. VCF-style: chr22-45600381-G-A. GRCh37 (hg19) VCF-style: chr22-45996261-G-A.
Other names: c.2047G>A (NM_006486.2); short protein forms G683R.
Identifiers: ClinVar variation 1365053 (VCV001365053.7), dbSNP rs755466681, ClinGen allele CA10287389.

ClinVar aggregate classification (germline): Uncertain significance. Review status: criteria provided, multiple submitters, no conflicts (2 of 4 stars). 2 submissions from 2 submitters: Uncertain significance (2). Last evaluated 2025-06-20.

Allele frequency attached by ClinVar (database versions not stated): gnomAD 0.00001; ExAC 0.00002; TOPMed 0.00002; gnomAD exomes 0.00003.
gnomAD v4.1: 45 of 1,613,982 alleles (0.0028%); highest among the groups gnomAD compares: South Asian, 0.0077%; no homozygotes.

Submissions (2):

Labcorp Genetics (formerly Invitae), Labcorp
Classification: Uncertain significance. Last evaluated: 2025-06-20. Review status: criteria provided, single submitter. Criteria: Invitae Variant Classification Sherloc (09022015). Collection method: clinical testing. Allele origin: germline.
Comment: This sequence change replaces glycine, which is neutral and non-polar, with arginine, which is basic and polar, at codon 683 of the FBLN1 protein (p.Gly683Arg). This variant is present in population databases (rs755466681, gnomAD 0.006%). This variant has not been reported in the literature in individuals affected with FBLN1-related conditions. ClinVar contains an entry for this variant (Variation ID: 1365053). An algorithm developed to predict the effect of missense changes on protein structure and function (PolyPhen-2) suggests that this variant is likely to be disruptive. In summary, the available evidence is currently insufficient to determine the role of this variant in disease. Therefore, it has been classified as a Variant of Uncertain Significance.

Ambry Genetics
Classification: Uncertain significance. Last evaluated: 2025-03-27. Review status: criteria provided, single submitter. Criteria: Ambry Variant Classification Scheme 2023. Collection method: clinical testing. Allele origin: germline.